The following is an entry in ClinVar:

NM_001909.5(CTSD):c.1084G>A (p.Gly362Arg)

Gene: CTSD (cathepsin D; minus strand). Cytogenetic location: 11p15.5.
Variant type: single nucleotide variant.
Coding change: c.1084G>A on transcript NM_001909.5 (MANE Select); coding-DNA position 1084, G replaced by A.
Protein change: p.Gly362Arg; replaces glycine 362 with arginine.
Molecular consequence: missense variant.
Genome position (GRCh38, 1-based): chr11:1,753,658, C>T on the plus strand (G>A on the coding strand, the complement: CTSD is on the minus strand). VCF-style: chr11-1753658-C-T. GRCh37 (hg19) VCF-style: chr11-1774888-C-T.
Other names: short protein forms G362R.
Identifiers: ClinVar variation 303834 (VCV000303834.10), dbSNP rs746733183, ClinGen allele CA5813895.

ClinVar aggregate classification (germline): Uncertain significance. Review status: criteria provided, multiple submitters, no conflicts (2 of 4 stars). 3 submissions from 3 submitters: Uncertain significance (3). Last evaluated 2025-01-22.

Conditions:
Inborn genetic diseases. Identifiers: MedGen C0950123, MeSH D030342.
Neuronal ceroid lipofuscinosis. Also called: Neuronal Ceroid Lipofuscinoses. Identifiers: Orphanet 216, Orphanet 79263, MedGen C0027877, MONDO:0016295. Disease mechanism: loss of function.
Neuronal ceroid lipofuscinosis 10 (CLN10). Also called: NEURONAL CEROID LIPOFUSCINOSIS DUE TO CATHEPSIN D DEFICIENCY; CTSD-Related Neuronal Ceroid-Lipofuscinosis. Identifiers: Orphanet 228337, MedGen C1864669, MONDO:0012414, OMIM 610127.

Allele frequency attached by ClinVar (database versions not stated): gnomAD exomes 0.00001 and 0.00002; ExAC 0.00002; gnomAD 0.00003 and 0.00004; TOPMed 0.00003.
gnomAD v4.1: 17 of 1,612,708 alleles (0.0011%); highest among the groups gnomAD compares: Middle Eastern, 0.016%; no homozygotes.

Submissions (3):

Ambry Genetics
Classification: Uncertain significance for Inborn genetic diseases. Last evaluated: 2025-01-22. Review status: criteria provided, single submitter. Criteria: Ambry Variant Classification Scheme 2023. Collection method: clinical testing. Allele origin: germline.

Labcorp Genetics (formerly Invitae), Labcorp
Classification: Uncertain significance for Neuronal ceroid lipofuscinosis. Last evaluated: 2024-10-08. Review status: criteria provided, single submitter. Criteria: Invitae Variant Classification Sherloc (09022015). Collection method: clinical testing. Allele origin: germline.
Comment: This sequence change replaces glycine, which is neutral and non-polar, with arginine, which is basic and polar, at codon 362 of the CTSD protein (p.Gly362Arg). This variant is present in population databases (rs746733183, gnomAD 0.009%). This variant has not been reported in the literature in individuals affected with CTSD-related conditions. ClinVar contains an entry for this variant (Variation ID: 303834). Invitae Evidence Modeling of protein sequence and biophysical properties (such as structural, functional, and spatial information, amino acid conservation, physicochemical variation, residue mobility, and thermodynamic stability) has been performed for this missense variant. However, the output from this modeling did not meet the statistical confidence thresholds required to predict the impact of this variant on CTSD protein function. In summary, the available evidence is currently insufficient to determine the role of this variant in disease. Therefore, it has been classified as a Variant of Uncertain Significance.

Illumina Laboratory Services, Illumina
Classification: Uncertain significance for Neuronal ceroid lipofuscinosis 10. Last evaluated: 2018-01-13. Review status: criteria provided, single submitter. Criteria: ICSL Variant Classification Criteria 13 December 2019. Collection method: clinical testing. Allele origin: germline.